The following is an entry in ClinVar:

ClinVar aggregate classification (germline): Uncertain significance. Review status: criteria provided, multiple submitters, no conflicts (2 of 4 stars). 3 submissions from 3 submitters: Uncertain significance (3). Last evaluated 2024-02-15.

Conditions:
Familial hypocalciuric hypercalcemia (FHH). Also called: Familial benign hypercalcemia. Identifiers: Orphanet 405, MedGen C1809471, MONDO:0018458.
Autosomal dominant hypocalcemia 1 (HYPOC1). Also called: HYPOCALCEMIA, FAMILIAL. Identifiers: MedGen C3715128, MONDO:0011013, OMIM 601198.
Nephrolithiasis/nephrocalcinosis. Identifiers: MedGen CN580796.

Submissions (3):

Blueprint Genetics
Classification: Uncertain significance. Last evaluated: 2024-02-15. Review status: criteria provided, single submitter. Criteria: ACMG Guidelines, 2015. Collection method: clinical testing. Allele origin: germline.

Ambry Genetics
Classification: Uncertain significance for Nephrolithiasis/nephrocalcinosis. Last evaluated: 2024-01-14. Review status: criteria provided, single submitter. Criteria: Ambry Variant Classification Scheme 2023. Collection method: clinical testing. Allele origin: germline.
Comment: The p.Q24R variant (also known as c.71A>G), located in coding exon 1 of the CASR gene, results from an A to G substitution at nucleotide position 71. The glutamine at codon 24 is replaced by arginine, an amino acid with highly similar properties. This amino acid position is conserved. In addition, the in silico prediction for this alteration is inconclusive. Since supporting evidence is limited at this time, the clinical significance of this alteration remains unclear.

Labcorp Genetics (formerly Invitae), Labcorp
Classification: Uncertain significance for Familial hypocalciuric hypercalcemia; Autosomal dominant hypocalcemia 1. Last evaluated: 2023-06-02. Review status: criteria provided, single submitter. Criteria: Invitae Variant Classification Sherloc (09022015). Collection method: clinical testing. Allele origin: germline.
Comment: In summary, the available evidence is currently insufficient to determine the role of this variant in disease. Therefore, it has been classified as a Variant of Uncertain Significance. An algorithm developed to predict the effect of missense changes on protein structure and function (PolyPhen-2) suggests that this variant is likely to be tolerated. This sequence change replaces glutamine, which is neutral and polar, with arginine, which is basic and polar, at codon 24 of the CASR protein (p.Gln24Arg). This variant is not present in population databases (gnomAD no frequency). This variant has not been reported in the literature in individuals affected with CASR-related conditions.

NM_000388.4(CASR):c.71A>G (p.Gln24Arg)

Gene: CASR (calcium sensing receptor; plus strand). Cytogenetic location: 3q21.1.
Variant type: single nucleotide variant.
Coding change: c.71A>G on transcript NM_000388.4 (MANE Select); coding-DNA position 71, A replaced by G.
Protein change: p.Gln24Arg; replaces glutamine 24 with arginine.
Molecular consequence: missense variant.
Genome position (GRCh38, 1-based): chr3:122,254,260, A>G. VCF-style: chr3-122254260-A-G. GRCh37 (hg19) VCF-style: chr3-121973107-A-G.
Other names: c.71A>G, p.Gln24Arg (NM_001178065.2); c.71A>G (NM_000388.3); short protein forms Q24R.
Identifiers: ClinVar variation 2927964 (VCV002927964.5), dbSNP rs2473205278, ClinGen allele CA354362070.